The following is an entry in ClinVar:

ClinVar aggregate classification (germline): Pathogenic (1 of 4 stars; one submission).

Conditions:
Ehlers-Danlos syndrome, dermatosparaxis type. Also called: EDS VIIC; Dermatosparaxis; Ehlers-Danlos syndrome, type VII, autosomal recessive. Identifiers: Orphanet 1901, MedGen C2700425, MONDO:0009161, OMIM 225410.

Submission:

Myriad Genetics, Inc.
Classification: Pathogenic for Ehlers-Danlos syndrome, dermatosparaxis type. Last evaluated: 2024-05-14. Review status: criteria provided, single submitter. Criteria: Myriad Autosomal Dominant, Autosomal Recessive and X-Linked Classification Criteria (2023). Collection method: clinical testing. Allele origin: unknown.
Comment: NM_014244.4(ADAMTS2):c.42_43insAGCA(A15Sfs*52) is expected to be pathogenic in the context of Ehlers-Danlos syndrome, ADAMTS2-related. This variant is predicted to lead to an abnormal or absent protein product due to the creation of a premature termination codon in ADAMTS2, a gene where loss-of-function variants are known to be pathogenic. Please note: this variant was assessed in the context of healthy population screening.

NM_014244.5(ADAMTS2):c.42_43insAGCA (p.Ala15fs)

Gene: ADAMTS2 (ADAM metallopeptidase with thrombospondin type 1 motif 2; minus strand). Cytogenetic location: 5q35.3.
Variant type: Insertion.
Coding change: c.42_43insAGCA on transcript NM_014244.5 (MANE Select); coding-DNA positions 42 to 43, AGCA inserted.
Protein change: p.Ala15fs; shifts the reading frame from alanine 15.
Molecular consequence: frameshift variant.
Genome position: GRCh38 VCF-style: chr5-179345286-C-CTGCT. GRCh37 (hg19) VCF-style: chr5-178772287-C-CTGCT.
Other names: c.42_43insAGCA, p.Ala15fs (NM_021599.4); short protein forms A15fs.
Identifiers: ClinVar variation 5010418 (VCV005010418.1).
Genomic context (GRCh38, chr5:179,345,286, plus strand): 5'-CGGGCGGCGGCGGCGGCGGCAGGAGCGGCGGCGGCAGCAGCAGCAGCAGCAGCAGCAGCG[C>CTGCT]GGGGCAGAGCAGGCGGCGAGCGGCTCCCGCCGGCGGATCCATGGCAGCCGGACTGCAGCC-3'